The following is an entry in ClinVar:

ClinVar aggregate classification (germline): Uncertain significance (1 of 4 stars; one submission).

gnomAD v4.1: 2 of 1,614,026 alleles (0.00012%); highest among the groups gnomAD compares: Non-Finnish European, 0.00017%; no homozygotes.

Submission:

Women's Health and Genetics/Laboratory Corporation of America, LabCorp
Classification: Uncertain significance. Last evaluated: 2024-12-11. Review status: criteria provided, single submitter. Criteria: LabCorp Variant Classification Summary - May 2015. Collection method: clinical testing. Allele origin: germline.
Comment: Variant summary: APOB c.4526C>A (p.Pro1509His) results in a non-conservative amino acid change in the encoded protein sequence. Three of five in-silico tools predict a damaging effect of the variant on protein function. The variant allele was found at a frequency of 8e-06 in 251398 control chromosomes. The available data on variant occurrences in the general population are insufficient to allow any conclusion about variant significance. To our knowledge, no occurrence of c.4526C>A in individuals affected with Early Onset Coronary Artery Disease and no experimental evidence demonstrating its impact on protein function have been reported. No submitters have cited clinical-significance assessments for this variant to ClinVar. Based on the evidence outlined above, the variant was classified as uncertain significance.

NM_000384.3(APOB):c.4526C>A (p.Pro1509His)

Gene: APOB (apolipoprotein B; minus strand). Cytogenetic location: 2p24.1.
Variant type: single nucleotide variant.
Coding change: c.4526C>A on transcript NM_000384.3 (MANE Select); coding-DNA position 4526, C replaced by A.
Protein change: p.Pro1509His; replaces proline 1509 with histidine.
Molecular consequence: missense variant.
Genome position (GRCh38, 1-based): chr2:21,012,342, G>T on the plus strand (C>A on the coding strand, the complement: APOB is on the minus strand). VCF-style: chr2-21012342-G-T. GRCh37 (hg19) VCF-style: chr2-21235214-G-T.
Other names: short protein forms P1509H.
Identifiers: ClinVar variation 3768109 (VCV003768109.1).